The following is an entry in ClinVar:

ClinVar aggregate classification (germline): Uncertain significance (1 of 4 stars; one submission).

gnomAD v4.1: 4 of 1,613,320 alleles (0.00025%); highest among the groups gnomAD compares: African/African-American, 0.0027%; no homozygotes.

Submission:

GeneDx
Classification: Uncertain significance. Last evaluated: 2024-12-04. Review status: criteria provided, single submitter. Criteria: GeneDx Variant Classification Process June 2021. Collection method: clinical testing. Allele origin: germline. Affected: yes.
Comment: In silico analysis indicates that this missense variant does not alter protein structure/function; Has not been previously published as pathogenic or benign to our knowledge

NM_052844.4(DYNC2I2):c.476C>T (p.Ala159Val)

Gene: DYNC2I2 (dynein 2 intermediate chain 2; minus strand). Cytogenetic location: 9q34.11.
Variant type: single nucleotide variant.
Coding change: c.476C>T on transcript NM_052844.4 (MANE Select); coding-DNA position 476, C replaced by T.
Protein change: p.Ala159Val; replaces alanine 159 with valine.
Molecular consequence: missense variant.
Genome position (GRCh38, 1-based): chr9:128,636,987, G>A on the plus strand (C>T on the coding strand, the complement: DYNC2I2 is on the minus strand). VCF-style: chr9-128636987-G-A. GRCh37 (hg19) VCF-style: chr9-131399266-G-A.
Other names: short protein forms A159V.
Identifiers: ClinVar variation 3901671 (VCV003901671.1).